The following is an entry in ClinVar:

NM_001148.6(ANK2):c.6974A>T (p.Asp2325Val)

Genes: ANK2 (ankyrin 2; plus strand), LOC126807137 (CDK7 strongly-dependent group 2 enhancer GRCh37_chr4:114276560-114277759; plus strand). Cytogenetic location: 4q26.
Variant type: single nucleotide variant.
Coding change: c.6974A>T on transcript NM_001148.6 (MANE Select); coding-DNA position 6974, A replaced by T.
Protein change: p.Asp2325Val; replaces aspartic acid 2325 with valine.
Molecular consequence: missense variant. On other transcripts: intron variant (68).
Genome position (GRCh38, 1-based): chr4:113,355,592, A>T. VCF-style: chr4-113355592-A-T. GRCh37 (hg19) VCF-style: chr4-114276748-A-T.
Other names: c.4193-5231A>T (NM_001354274.2, NM_001386154.1); c.4142-5231A>T (NM_001386151.1, NM_001354260.2, NM_001354271.2); c.4043-5231A>T (NM_001386157.1, NM_001354277.2); c.4361-5231A>T (NM_001386161.1, NM_001354244.2, NM_001354256.2); c.4286-5231A>T (NM_001354261.2); c.4166-5231A>T (NM_001386156.1, NM_001354257.2); c.4262-5231A>T (NM_001354264.2); c.4241-5231A>T (NM_001354267.2, NM_001386162.1, NM_001354249.2 and 2 more transcripts); and 35 more; short protein forms D1125V, D2247V, D2325V, D2364V, D2372V.
Identifiers: ClinVar variation 1316024 (VCV001316024.2), dbSNP rs752319494, ClinGen allele CA3051505.

ClinVar aggregate classification (germline): Uncertain significance (1 of 4 stars; one submission).

gnomAD v4.1: 18 of 1,614,094 alleles (0.0011%); highest among the groups gnomAD compares: Admixed American, 0.0033%; no homozygotes.

Submission:

GeneDx
Classification: Uncertain significance. Last evaluated: 2019-12-11. Review status: criteria provided, single submitter. Criteria: GeneDx Variant Classification Process June 2021. Collection method: clinical testing. Allele origin: germline. Affected: yes.
Comment: Has not been previously published as pathogenic or benign to our knowledge; Not observed at a significant frequency in large population cohorts (Lek et al., 2016); In silico analysis, which includes protein predictors and evolutionary conservation, supports that this variant does not alter protein structure/function